The following is an entry in ClinVar:

NM_144508.5(KNL1):c.6311T>G (p.Leu2104Trp)

Gene: KNL1 (kinetochore scaffold 1; plus strand). Cytogenetic location: 15q15.1.
Variant type: single nucleotide variant.
Coding change: c.6311T>G on transcript NM_144508.5 (MANE Select); coding-DNA position 6311, T replaced by G.
Protein change: p.Leu2104Trp; replaces leucine 2104 with tryptophan.
Molecular consequence: missense variant.
Genome position (GRCh38, 1-based): chr15:40,651,569, T>G. VCF-style: chr15-40651569-T-G. GRCh37 (hg19) VCF-style: chr15-40943767-T-G.
Other names: c.6389T>G, p.Leu2130Trp (NM_170589.5); short protein forms L2104W, L2130W.
Identifiers: ClinVar variation 1049674 (VCV001049674.1), dbSNP rs115973566, ClinGen allele CA7483672.
Genomic context (GRCh38, chr15:40,651,569, plus strand): 5'-TTGCTCAAATAGACTTTATGCAAAAACAAAGAAATAGAACTGAAGAGCTACTGGATCAGT[T>G]GAGGTAAGGAAATGCAGGCATCATTTGTTTGTGTTTTATTCTGTACCTTGTGGTTGTTTA-3'
Protein context (NP_653091.3, residues 2094-2114): RNRTEELLDQ[Leu2104Trp]SLSEWDVVEW

ClinVar aggregate classification (germline): Uncertain significance (0 of 4 stars; one submission).

Allele frequency attached by ClinVar (database versions not stated): gnomAD exomes 0.00002 and 0.00005; ExAC 0.00005; gnomAD 0.00023 and 0.00024; TOPMed 0.00026; 1000 Genomes Project 30x 0.00047; 1000 Genomes Project 0.00060.
gnomAD v4.1: 61 of 1,598,900 alleles (0.0038%); highest among the groups gnomAD compares: African/African-American, 0.065%; no homozygotes.

Submission:

Department of Pathology and Laboratory Medicine, Sinai Health System
Classification: Uncertain significance. Review status: no assertion criteria provided. Collection method: clinical testing. Allele origin: unknown. Affected: yes. Study: The Canadian Open Genetics Repository (COGR).
Comment: The KNL1 p.Leu2104Trp variant was not identified in the literature nor was it identified in ClinVar or Cosmic. The variant was identified in dbSNP (ID: rs115973566) and was also found in control databases in 18 of 270658 chromosomes at a frequency of 0.000067 (Genome Aggregation Database Feb 27, 2017). The variant was observed in the following populations: African in 16 of 23962 chromosomes (freq: 0.000668) and Latino in 2 of 32316 chromosomes (freq: 0.000062), while the variant was not observed in the Ashkenazi Jewish, East Asian, European (Finnish), European (non-Finnish), Other, and South Asian populations. The variant occurs outside of the splicing consensus sequence and in silico or computational prediction software programs (SpliceSiteFinder, MaxEntScan, NNSPLICE, GeneSplicer) do not predict a difference in splicing. The p.Leu2104 residue is not conserved in mammals and computational analyses (PolyPhen-2, SIFT, AlignGVGD, BLOSUM, MutationTaster) provide inconsistent predictions regarding the impact to the protein; this information is not very predictive of pathogenicity. In summary, based on the above information the clinical significance of this variant cannot be determined with certainty at this time. This variant is classified as a variant of uncertain significance.